The following is an entry in ClinVar:

NM_206926.2(SELENON):c.744C>T (p.Ser248=)

Gene: SELENON (selenoprotein N; plus strand). Cytogenetic location: 1p36.11.
Variant type: single nucleotide variant.
Coding change: c.744C>T on transcript NM_206926.2 (MANE Select); coding-DNA position 744, C replaced by T.
Protein change: p.Ser248=; no amino-acid change (serine 248 retained).
Molecular consequence: synonymous variant.
Genome position (GRCh38, 1-based): chr1:25,809,124, C>T. VCF-style: chr1-25809124-C-T. GRCh37 (hg19) VCF-style: chr1-26135615-C-T.
Other names: p.Ser282=; c.846C>T, p.Ser282= (NM_020451.3).
Identifiers: ClinVar variation 198237 (VCV000198237.46), dbSNP rs34177164, ClinGen allele CA203325.

ClinVar aggregate classification (germline): Benign/Likely benign. Review status: criteria provided, multiple submitters, no conflicts (2 of 4 stars). 8 submissions from 8 submitters: Benign (1); Likely benign (7). Last evaluated 2026-01-18.

Conditions:
SELENON-related disorder. Also called: SELENON-related condition.
Eichsfeld type congenital muscular dystrophy (CMYO3). Also called: MYOPATHY, SEPN1-RELATED; Rigid spine muscular dystrophy 1; SELENON-related myopathy; Congenital myopathy 3 with rigid spine. Identifiers: MedGen C0410180, MONDO:0100100, OMIM 602771.

Allele frequency attached by ClinVar (database versions not stated): gnomAD exomes 0.00037; ExAC 0.00044; 1000 Genomes Project 30x 0.00109; 1000 Genomes Project 0.00140; ESP Exome Variant Server 0.00144; gnomAD 0.00175; TOPMed 0.00179.
gnomAD v4.1: 448 of 1,613,794 alleles (0.028%); highest among the groups gnomAD compares: African/African-American, 0.53%; 4 homozygotes.

Submissions (8):

Labcorp Genetics (formerly Invitae), Labcorp
Classification: Benign for Eichsfeld type congenital muscular dystrophy. Last evaluated: 2026-01-18. Review status: criteria provided, single submitter. Criteria: Invitae Variant Classification Sherloc (09022015). Collection method: clinical testing. Allele origin: germline.

PreventionGenetics, part of Exact Sciences
Classification: Likely benign for SELENON-related condition. Last evaluated: 2025-11-19. Review status: criteria provided, single submitter. Criteria: ACMG Guidelines, 2015. Collection method: clinical testing. Allele origin: germline.
Comment: This variant is classified as likely benign based on ACMG/AMP sequence variant interpretation guidelines (Richards et al. 2015 PMID: 25741868, with internal and published modifications).

Mayo Clinic Laboratories, Mayo Clinic
Classification: Likely benign. Last evaluated: 2024-12-13. Review status: criteria provided, single submitter. Criteria: ACMG Guidelines, 2015. Collection method: clinical testing. Allele origin: germline. Observed: 3 variant alleles.
Comment: BS1, BP4, BP7

Blueprint Genetics
Classification: Likely benign. Last evaluated: 2024-09-30. Review status: criteria provided, single submitter. Criteria: ACMG Guidelines, 2015. Collection method: clinical testing. Allele origin: germline.

CeGaT Center for Human Genetics Tuebingen
Classification: Likely benign. Last evaluated: 2024-04-01. Review status: criteria provided, single submitter. Criteria: CeGaT Center For Human Genetics Tuebingen Variant Classification Criteria Version 2. Collection method: clinical testing. Allele origin: germline. Affected: yes. Observed: 1 variant allele.
Comment: SELENON: BP4, BP7

GeneDx
Classification: Likely benign. Last evaluated: 2017-04-06. Review status: criteria provided, single submitter. Criteria: GeneDx Variant Classification (06012015). Collection method: clinical testing. Allele origin: germline. Affected: yes.
Comment: This variant is considered likely benign or benign based on one or more of the following criteria: it is a conservative change, it occurs at a poorly conserved position in the protein, it is predicted to be benign by multiple in silico algorithms, and/or has population frequency not consistent with disease.

Eurofins Ntd Llc (ga)
Classification: Likely benign. Last evaluated: 2015-03-06. Review status: criteria provided, single submitter. Criteria: EGL Classification Definitions 2015. Collection method: clinical testing. Allele origin: germline. Observed: 2 variant alleles, 2 heterozygotes.

Breakthrough Genomics
Classification: Likely benign. Review status: criteria provided, single submitter. Criteria: ACMG Guidelines, 2015. Collection method: not provided. Allele origin: germline. Inheritance: Autosomal recessive inheritance. Affected: yes.